The following is an entry in ClinVar:

NM_181486.4(TBX5):c.1321G>A (p.Gly441Ser)

Gene: TBX5 (T-box transcription factor 5; minus strand). Cytogenetic location: 12q24.21.
Variant type: single nucleotide variant.
Coding change: c.1321G>A on transcript NM_181486.4 (MANE Select); coding-DNA position 1321, G replaced by A.
Protein change: p.Gly441Ser; replaces glycine 441 with serine.
Molecular consequence: missense variant.
Genome position (GRCh38, 1-based): chr12:114,355,768, C>T on the plus strand (G>A on the coding strand, the complement: TBX5 is on the minus strand). VCF-style: chr12-114355768-C-T. GRCh37 (hg19) VCF-style: chr12-114793573-C-T.
Other names: c.1321G>A, p.Gly441Ser (NM_000192.3); c.1171G>A, p.Gly391Ser (NM_080717.4); short protein forms G391S, G441S.
Identifiers: ClinVar variation 1769919 (VCV001769919.2), dbSNP rs2540424895, ClinGen allele CA386925318.

ClinVar aggregate classification (germline): Uncertain significance (1 of 4 stars; one submission).

Conditions:
Cardiovascular phenotype. Identifiers: MedGen CN230736.

Submission:

Ambry Genetics
Classification: Uncertain significance for Cardiovascular phenotype. Last evaluated: 2022-10-30. Review status: criteria provided, single submitter. Criteria: Ambry Variant Classification Scheme 2023. Collection method: clinical testing. Allele origin: germline.
Comment: The p.G441S variant (also known as c.1321G>A), located in coding exon 8 of the TBX5 gene, results from a G to A substitution at nucleotide position 1321. The glycine at codon 441 is replaced by serine, an amino acid with similar properties. This amino acid position is conserved. In addition, this alteration is predicted to be tolerated by in silico analysis. Since supporting evidence is limited at this time, the clinical significance of this alteration remains unclear.